The following is an entry in ClinVar:

ClinVar aggregate classification (germline): Uncertain significance (1 of 4 stars; one submission).

Conditions:
Inflammatory bowel disease 30. Also called: INFLAMMATORY BOWEL DISEASE (CROHN DISEASE) 30. Identifiers: MedGen C5436750, MONDO:0033643, OMIM 619079.

Allele frequency attached by ClinVar (database versions not stated): gnomAD 0.00001; TOPMed 0.00001; gnomAD exomes 0.00002.
gnomAD v4.1: 24 of 1,536,158 alleles (0.0016%); highest among the groups gnomAD compares: Non-Finnish European, 0.0019%; no homozygotes.

Submission:

MGZ Medical Genetics Center
Classification: Uncertain significance for Inflammatory bowel disease 30. Last evaluated: 2022-03-14. Review status: criteria provided, single submitter. Criteria: ACMG Guidelines, 2015. Collection method: clinical testing. Allele origin: germline. Affected: yes. Observed: 1 variant allele.
Comment: ACMG criteria applied: PM2_SUP, BP4

NM_001184900.3(CARD8):c.139A>G (p.Ser47Gly)

Gene: CARD8 (caspase recruitment domain family member 8; minus strand). Cytogenetic location: 19q13.33.
Variant type: single nucleotide variant.
Coding change: c.139A>G on transcript NM_001184900.3 (MANE Select); coding-DNA position 139, A replaced by G.
Protein change: p.Ser47Gly; replaces serine 47 with glycine.
Molecular consequence: missense variant. On other transcripts: 5 prime UTR variant (1), non-coding transcript variant (1), intron variant (11).
Genome position (GRCh38, 1-based): chr19:48,238,453, T>C on the plus strand (A>G on the coding strand, the complement: CARD8 is on the minus strand). VCF-style: chr19-48238453-T-C. GRCh37 (hg19) VCF-style: chr19-48741710-T-C.
Other names: c.139A>G, p.Ser47Gly (NM_001184902.2, NM_001184903.1, NM_001184904.2 and 1 more transcripts); c.-64A>G (NM_001351790.2); c.-66+2509A>G (NM_001351787.2, NM_001351791.2, NM_001351792.2 and 2 more transcripts); c.59+2509A>G (NM_001351788.2, NM_001351789.2, NM_014959.5 and 2 more transcripts); c.-280+2509A>G (NM_001351786.2); short protein forms S47G.
Identifiers: ClinVar variation 1709259 (VCV001709259.2), dbSNP rs1041860600, ClinGen allele CA309295606.
Genomic context (GRCh38, chr19:48,238,453, plus strand): 5'-TCACACAGGCCTCAGCCTGAAAAAAAATTCCAGTTTTTGTGTATTGCAGTTCCCGTATGC[T>C]ATTGTCAACCAACAGTTTCCGTGATCCTTGTAGTCTAATGAGTTTGGATGCATCTATGTT-3'
Protein context (NP_001171829.1, residues 37-57): QGSRKLLVDN[Ser47Gly]IRELQYTKTG